The following is an entry in ClinVar:

NM_000439.5(PCSK1):c.1034A>G (p.Glu345Gly)

Genes: CAST (calpastatin; plus strand), PCSK1 (proprotein convertase subtilisin/kexin type 1; minus strand), LOC101929710 (uncharacterized LOC101929710; plus strand). Cytogenetic location: 5q15.
Variant type: single nucleotide variant.
Coding change: c.1034A>G on transcript NM_000439.5 (MANE Select); coding-DNA position 1034, A replaced by G.
Protein change: p.Glu345Gly; replaces glutamic acid 345 with glycine.
Molecular consequence: missense variant. On other transcripts: intron variant (11).
Genome position (GRCh38, 1-based): chr5:96,410,835, T>C on the plus strand (A>G on the coding strand, the complement: PCSK1 is on the minus strand). VCF-style: chr5-96410835-T-C. GRCh37 (hg19) VCF-style: chr5-95746539-T-C.
Other names: c.893A>G, p.Glu298Gly (NM_001177875.2); c.-175+31183T>C (NM_001423254.1, NM_001423259.1, NM_001423255.1 and 6 more transcripts); c.-103+31183T>C (NM_001423253.1); c.-40+31183T>C (NM_001423258.1); short protein forms E298G, E345G.
Identifiers: ClinVar variation 4987552 (VCV004987552.1).
Genomic context (GRCh38, chr5:96,410,835, plus strand): 5'-ATTCTCTGGTCGGTGTAATCTCCGCTGCTGTAAGAGGTGGCCAGTGTGGAGGAGCACTTC[T>C]CAGCGTACCAGGGGGATAGGCCTTGCTGGGAGGCACTGCTGATGGAGATGGTGTAGATGC-3'
Protein context (NP_000430.3, residues 335-355): SQQGLSPWYA[Glu345Gly]KCSSTLATSY

ClinVar aggregate classification (germline): Uncertain significance (1 of 4 stars; one submission).

Conditions:
PCSK1-related disorder. Also called: PCSK1-related condition.

gnomAD v4.1: 1 of 1,614,132 alleles (0.000062%); highest among the groups gnomAD compares: Non-Finnish European, 0.000085%; no homozygotes.

Submission:

PreventionGenetics, part of Exact Sciences
Classification: Uncertain significance for PCSK1-related condition. Last evaluated: 2025-08-07. Review status: criteria provided, single submitter. Criteria: ACMG Guidelines, 2015. Collection method: clinical testing. Allele origin: germline.
Comment: The PCSK1 c.1034A>G variant is predicted to result in the amino acid substitution p.Glu345Gly. To our knowledge, this variant has not been reported in the literature or in a large population database, indicating this variant is rare. At this time, the clinical significance of this variant is uncertain due to the absence of conclusive functional and genetic evidence.